The following is an entry in ClinVar:

NM_000138.5(FBN1):c.6095C>G (p.Thr2032Ser)

Gene: FBN1 (fibrillin 1; minus strand). Cytogenetic location: 15q21.1.
Variant type: single nucleotide variant.
Coding change: c.6095C>G on transcript NM_000138.5 (MANE Select); coding-DNA position 6095, C replaced by G.
Protein change: p.Thr2032Ser; replaces threonine 2032 with serine.
Molecular consequence: missense variant.
Genome position (GRCh38, 1-based): chr15:48,441,789, G>C on the plus strand (C>G on the coding strand, the complement: FBN1 is on the minus strand). VCF-style: chr15-48441789-G-C. GRCh37 (hg19) VCF-style: chr15-48733986-G-C.
Other names: short protein forms T2032S.
Identifiers: ClinVar variation 316369 (VCV000316369.21), dbSNP rs756506237, ClinGen allele CA056223.
Genomic context (GRCh38, chr15:48,441,789, plus strand): 5'-CTTCTTCCACTGGAGGACAAGGAAAACCCTTCTGGACACAGACATTTGAAGCTGCCTTCA[G>C]TGTTACTGCATGTGCCCAGGGCACAAATTTCTGGCTCTTCGACACACTCATCAATATCTA-3'
Protein context (NP_000129.3, residues 2022-2042): EICALGTCSN[Thr2032Ser]EGSFKCLCPE

ClinVar aggregate classification (germline): Uncertain significance. Review status: criteria provided, multiple submitters, no conflicts (2 of 4 stars). 11 submissions from 6 submitters: Uncertain significance (11). Last evaluated 2026-01-27.

Conditions:
Marfan syndrome (MFS). Also called: Marfan syndrome type 1; Marfan's syndrome; MARFAN SYNDROME, TYPE I; Marfan syndrome, classic; FBN1-Related Marfan Syndrome. Identifiers: Orphanet 284963, Orphanet 558, MedGen C0024796, MONDO:0007947, OMIM 154700.
Familial thoracic aortic aneurysm and aortic dissection (TAAD). Also called: Thoracic aortic aneurysms and dissections. Identifiers: Orphanet 91387, MedGen C4707243, MONDO:0019625.
Stiff skin syndrome (SSKS). Identifiers: Orphanet 2833, MedGen C1861456, MONDO:0008492, OMIM 184900.
Weill-Marchesani syndrome. Also called: WM Syndrome; Mesodermal dysmorphodystrophy congenital. Identifiers: Orphanet 3449, MedGen C0265313, MONDO:0018096.
Acromicric dysplasia (ACMICD). Also called: Acromicric skeletal dysplasia. Identifiers: Orphanet 969, MedGen C0265287, MONDO:0007055, OMIM 102370.
Ectopia lentis 1, isolated, autosomal dominant (ECTOL1). Identifiers: Orphanet 1885, MedGen C3541518, MONDO:0007514, OMIM 129600.
Progeroid and marfanoid aspect-lipodystrophy syndrome. Also called: Marfan lipodystrophy syndrome; MARFANOID-PROGEROID SYNDROME; MARFAN-PROGEROID-LIPODYSTROPHY SYNDROME; MARFANOID-PROGEROID-LIPODYSTROPHY SYNDROME. Identifiers: Orphanet 300382, MedGen C4310796, MONDO:0014831, OMIM 616914.
MASS syndrome (OCTD). Also called: MASS PHENOTYPE; OVERLAP CONNECTIVE TISSUE DISEASE. Identifiers: MedGen C1858556, MONDO:0011431, OMIM 604308.
Geleophysic dysplasia 2 (GPHYSD2). Identifiers: Orphanet 2623, MedGen C3280054, MONDO:0013612, OMIM 614185.
Weill-Marchesani syndrome 2, dominant. Also called: Weill-Marchesani Syndrome, Autosomal Dominant; FBN1-Related Weill-Marchesani Syndrome. Identifiers: Orphanet 2084, MedGen C1869115, MONDO:0012013, OMIM 608328.

Allele frequency attached by ClinVar (database versions not stated): ExAC 0.00001; TOPMed 0.00002; gnomAD exomes 0.00001; gnomAD 0.00002.

Submissions (11):

Labcorp Genetics (formerly Invitae), Labcorp
Classification: Uncertain significance for Marfan syndrome; Familial thoracic aortic aneurysm and aortic dissection. Last evaluated: 2026-01-27. Review status: criteria provided, single submitter. Criteria: Invitae Variant Classification Sherloc (09022015). Collection method: clinical testing. Allele origin: germline.
Comment: This sequence change replaces threonine, which is neutral and polar, with serine, which is neutral and polar, at codon 2032 of the FBN1 protein (p.Thr2032Ser). This variant is present in population databases (rs756506237, gnomAD 0.004%). This variant has not been reported in the literature in individuals affected with FBN1-related conditions. ClinVar contains an entry for this variant (Variation ID: 316369). Invitae Evidence Modeling of protein sequence and biophysical properties (such as structural, functional, and spatial information, amino acid conservation, physicochemical variation, residue mobility, and thermodynamic stability) has been performed for this missense variant. However, the output from this modeling did not meet the statistical confidence thresholds required to predict the impact of this variant on FBN1 protein function. In summary, the available evidence is currently insufficient to determine the role of this variant in disease. Therefore, it has been classified as a Variant of Uncertain Significance.

All of Us Research Program, National Institutes of Health
Classification: Uncertain significance for Marfan syndrome. Last evaluated: 2024-03-24. Review status: criteria provided, single submitter. Criteria: ACMG Guidelines, 2015. Collection method: clinical testing. Allele origin: germline. Inheritance: Autosomal dominant inheritance. Observed: 3 variant alleles, 3 heterozygotes.
Comment: This missense variant replaces threonine with serine at codon 2032 of the FBN1 protein. Computational prediction suggests that this variant may not impact protein structure and function (internally defined REVEL score threshold <= 0.5, PMID: 27666373). To our knowledge, functional studies have not been reported for this variant. This variant has not been reported in individuals affected with FBN1-related disorders in the literature. This variant has been identified in 3/282380 chromosomes in the general population by the Genome Aggregation Database (gnomAD). The available evidence is insufficient to determine the role of this variant in disease conclusively. Therefore, this variant is classified as a Variant of Uncertain Significance.

This study involves interpretation of variants in research participants for the purpose of population health screening. Participant phenotype was not available at the time of variant classification. Additional details can be found in publication PMID: 35346344, PMCID: PMC8962531

Color Diagnostics, LLC DBA Color Health
Classification: Uncertain significance for Familial thoracic aortic aneurysm and aortic dissection. Last evaluated: 2024-03-08. Review status: criteria provided, single submitter. Criteria: ACMG Guidelines, 2015. Collection method: clinical testing. Allele origin: germline.
Comment: This missense variant replaces threonine with serine at codon 2032 of the FBN1 protein. Computational prediction tools indicate that this variant has a neutral impact on protein structure and function. To our knowledge, functional studies have not been reported for this variant. This variant has not been reported in individuals affected with FBN1-related disorders in the literature. This variant has been identified in 3/282380 chromosomes in the general population by the Genome Aggregation Database (gnomAD). The available evidence is insufficient to determine the role of this variant in disease conclusively. Therefore, this variant is classified as a Variant of Uncertain Significance.

Fulgent Genetics
Classification: Uncertain significance for Acromicric dysplasia; Ectopia lentis 1, isolated, autosomal dominant; Marfan syndrome; Stiff skin syndrome; MASS syndrome; Weill-Marchesani syndrome 2, dominant; Geleophysic dysplasia 2; Progeroid and marfanoid aspect-lipodystrophy syndrome. Last evaluated: 2021-12-07. Review status: criteria provided, single submitter. Criteria: ACMG Guidelines, 2015. Collection method: clinical testing. Allele origin: unknown.

Blueprint Genetics
Classification: Uncertain significance. Last evaluated: 2019-12-12. Review status: criteria provided, single submitter. Criteria: ACMG Guidelines, 2015. Collection method: clinical testing. Allele origin: germline.

Illumina Laboratory Services, Illumina
Classification: Uncertain significance for Marfan syndrome. Last evaluated: 2018-01-12. Review status: criteria provided, single submitter. Criteria: ICSL Variant Classification Criteria 13 December 2019. Collection method: clinical testing. Allele origin: germline.

Illumina Laboratory Services, Illumina
Classification: Uncertain significance for Acromicric dysplasia. Last evaluated: 2018-01-12. Review status: criteria provided, single submitter. Criteria: ICSL Variant Classification Criteria 13 December 2019. Collection method: clinical testing. Allele origin: germline.

Illumina Laboratory Services, Illumina
Classification: Uncertain significance for Stiff skin syndrome. Last evaluated: 2018-01-12. Review status: criteria provided, single submitter. Criteria: ICSL Variant Classification Criteria 13 December 2019. Collection method: clinical testing. Allele origin: germline.

Illumina Laboratory Services, Illumina
Classification: Uncertain significance for Ectopia lentis 1, isolated, autosomal dominant. Last evaluated: 2018-01-12. Review status: criteria provided, single submitter. Criteria: ICSL Variant Classification Criteria 13 December 2019. Collection method: clinical testing. Allele origin: germline.

Illumina Laboratory Services, Illumina
Classification: Uncertain significance for Familial thoracic aortic aneurysm and aortic dissection. Last evaluated: 2018-01-12. Review status: criteria provided, single submitter. Criteria: ICSL Variant Classification Criteria 13 December 2019. Collection method: clinical testing. Allele origin: germline.

Illumina Laboratory Services, Illumina
Classification: Uncertain significance for Weill-Marchesani syndrome. Last evaluated: 2018-01-12. Review status: criteria provided, single submitter. Criteria: ICSL Variant Classification Criteria 13 December 2019. Collection method: clinical testing. Allele origin: germline.